The following is an entry in ClinVar:

NM_018418.5(SPATA7):c.756C>G (p.Phe252Leu)

Gene: SPATA7 (spermatogenesis associated 7; plus strand). Cytogenetic location: 14q31.3.
Variant type: single nucleotide variant.
Coding change: c.756C>G on transcript NM_018418.5 (MANE Select); coding-DNA position 756, C replaced by G.
Protein change: p.Phe252Leu; replaces phenylalanine 252 with leucine.
Molecular consequence: missense variant.
Genome position (GRCh38, 1-based): chr14:88,426,615, C>G. VCF-style: chr14-88426615-C-G. GRCh37 (hg19) VCF-style: chr14-88892959-C-G.
Other names: c.660C>G, p.Phe220Leu (NM_001040428.4); short protein forms F220L, F252L.
Identifiers: ClinVar variation 2188435 (VCV002188435.4), dbSNP rs1324878232, ClinGen allele CA390564393.
Genomic context (GRCh38, chr14:88,426,615, plus strand): 5'-CTTTTCTAACAAACAATTGCCATTCACTCCTCGCACTTTAAAAACAGAAGCAAAATCTTT[C>G]CTGTCACAGTATCGCTATTATACACCTGCCAAAAGAAAAAAGGATTTTACAGATCAACGG-3'
Protein context (NP_060888.2, residues 242-262): PRTLKTEAKS[Phe252Leu]LSQYRYYTPA

ClinVar aggregate classification (germline): Uncertain significance (1 of 4 stars; one submission).

Conditions:
Leber congenital amaurosis 3 (LCA3). Also called: SPATA7-Related Retinitis Pigmentosa. Identifiers: MedGen C1858677, MONDO:0011415, OMIM 604232.

gnomAD v4.1: 1 of 1,614,086 alleles (0.000062%); highest among the groups gnomAD compares: Admixed American, 0.0017%; no homozygotes.

Submission:

Labcorp Genetics (formerly Invitae), Labcorp
Classification: Uncertain significance for Leber congenital amaurosis 3. Last evaluated: 2022-02-23. Review status: criteria provided, single submitter. Criteria: Invitae Variant Classification Sherloc (09022015). Collection method: clinical testing. Allele origin: germline.
Comment: In summary, the available evidence is currently insufficient to determine the role of this variant in disease. Therefore, it has been classified as a Variant of Uncertain Significance. Algorithms developed to predict the effect of missense changes on protein structure and function are either unavailable or do not agree on the potential impact of this missense change (SIFT: "Tolerated"; PolyPhen-2: "Possibly Damaging"; Align-GVGD: "Class C0"). This variant has not been reported in the literature in individuals affected with SPATA7-related conditions. This variant is present in population databases (no rsID available, gnomAD 0.003%). This sequence change replaces phenylalanine, which is neutral and non-polar, with leucine, which is neutral and non-polar, at codon 252 of the SPATA7 protein (p.Phe252Leu).